The following is an entry in ClinVar:

ClinVar aggregate classification (germline): Conflicting classifications of pathogenicity. Review status: criteria provided, conflicting classifications (1 of 4 stars). 7 submissions from 6 submitters: Uncertain significance (2); Likely benign (4). 1 of the submissions does not count toward it. Last evaluated 2025-12-29.

Conditions:
RPS10-related disorder. Also called: RPS10-related condition.
Diamond-Blackfan anemia 9 (DBA9). Also called: RPS10-Related Diamond-Blackfan Anemia. Identifiers: Orphanet 124, MedGen C2750081, MONDO:0013216, OMIM 613308.
Inborn genetic diseases. Identifiers: MedGen C0950123, MeSH D030342.
Diamond-Blackfan anemia. Also called: Blackfan Diamond syndrome; Aregenerative anemia chronic congenital; Red cell aplasia, pure hereditary; Congenital hypoplastic anemia; Aase syndrome. Identifiers: Orphanet 124, MedGen C1260899, MeSH D029503, MONDO:0015253, HP:0004810.

Allele frequency attached by ClinVar (database versions not stated): gnomAD 0.00007 and 0.00011; TOPMed 0.00008; ESP Exome Variant Server 0.00015; 1000 Genomes Project 30x 0.00016; 1000 Genomes Project 0.00020; gnomAD exomes 0.00027 and 0.00034; ExAC 0.00035.

Submissions (7):

Labcorp Genetics (formerly Invitae), Labcorp
Classification: Likely benign for Diamond-Blackfan anemia. Last evaluated: 2025-12-29. Review status: criteria provided, single submitter. Criteria: Invitae Variant Classification Sherloc (09022015). Collection method: clinical testing. Allele origin: germline.

Blueprint Genetics
Classification: Likely benign. Last evaluated: 2024-11-18. Review status: criteria provided, single submitter. Criteria: ACMG Guidelines, 2015. Collection method: clinical testing. Allele origin: germline.

Ambry Genetics
Classification: Uncertain significance for Inborn genetic diseases. Last evaluated: 2021-10-21. Review status: criteria provided, single submitter. Criteria: Ambry General Variant Classification Scheme_2022. Collection method: clinical testing. Allele origin: germline. Observed: 1 variant allele.

Baylor Genetics
Classification: Uncertain significance for Diamond-Blackfan anemia 9. Last evaluated: 2019-01-20. Review status: criteria provided, single submitter. Criteria: ACMG Guidelines, 2015. Collection method: clinical testing. Allele origin: maternal. Affected: yes. Study: CSER-TexasKidsCanSeq.
Comment: This variant was determined to be of uncertain significance according to ACMG Guidelines, 2015 [PMID:25741868].

Ambry Genetics
Classification: Likely benign for Diamond-Blackfan anemia. Last evaluated: 2017-07-06. Review status: criteria provided, single submitter. Criteria: Ambry Variant Classification Scheme 2023. Collection method: clinical testing. Allele origin: germline.

Illumina Laboratory Services, Illumina
Classification: Likely benign for Diamond-Blackfan anemia 9. Last evaluated: 2017-04-27. Review status: criteria provided, single submitter. Criteria: ICSL Variant Classification Criteria 13 December 2019. Collection method: clinical testing. Allele origin: germline.
Comment: This variant was observed as part of a predisposition screen in an ostensibly healthy population. A literature search was performed for the gene, cDNA change, and amino acid change (where applicable). Publications were found based on this search. The evidence from the literature, in combination with allele frequency data from public databases where available, was sufficient to determine this variant is unlikely to cause disease. Therefore, this variant is classified as likely benign.

PreventionGenetics, part of Exact Sciences
Classification: Likely benign for RPS10-related condition. Last evaluated: 2024-08-20. Review status: no assertion criteria provided. Collection method: clinical testing. Allele origin: germline. Not counted in ClinVar's aggregate classification.
Comment: This variant is classified as likely benign based on ACMG/AMP sequence variant interpretation guidelines (Richards et al. 2015 PMID: 25741868, with internal and published modifications).

Literature cited by the submitters: PubMed 20116044 (cited by Ambry Genetics and Illumina Laboratory Services, Illumina).

NM_001014.5(RPS10):c.71A>G (p.Lys24Arg)

Genes: RPS10 (ribosomal protein S10; minus strand), RPS10-NUDT3 (RPS10-NUDT3 readthrough; minus strand). Cytogenetic location: 6p21.31.
Variant type: single nucleotide variant.
Coding change: c.71A>G on transcript NM_001014.5 (MANE Select); coding-DNA position 71, A replaced by G.
Protein change: p.Lys24Arg; replaces lysine 24 with arginine.
Molecular consequence: missense variant.
Genome position (GRCh38, 1-based): chr6:34,425,151, T>C on the plus strand (A>G on the coding strand, the complement: RPS10 is on the minus strand). VCF-style: chr6-34425151-T-C. GRCh37 (hg19) VCF-style: chr6-34392928-T-C.
Other names: c.71A>G, p.Lys24Arg (NM_001202470.3, NM_001203245.3, NM_001204091.2); c.71A>G (NM_001203245.2); short protein forms K24R.
Identifiers: ClinVar variation 356422 (VCV000356422.21), dbSNP rs201147592, ClinGen allele CA3765138.